The following is an entry in ClinVar:

ClinVar aggregate classification (germline): Uncertain significance (1 of 4 stars; one submission).

Submission:

GeneDx
Classification: Uncertain significance. Last evaluated: 2026-04-13. Review status: criteria provided, single submitter. Criteria: GeneDx Variant Classification Process June 2021. Collection method: clinical testing. Allele origin: germline.
Comment: Not observed at significant frequency in large population cohorts (gnomAD); In silico analysis supports that this missense variant has a deleterious effect on protein structure/function; Has not been previously published as pathogenic or benign to our knowledge

NM_021120.4(DLG3):c.1106C>G (p.Pro369Arg)

Gene: DLG3 (discs large MAGUK scaffold protein 3; plus strand). Cytogenetic location: Xq13.1.
Variant type: single nucleotide variant.
Coding change: c.1106C>G on transcript NM_021120.4 (MANE Select); coding-DNA position 1106, C replaced by G.
Protein change: p.Pro369Arg; replaces proline 369 with arginine.
Molecular consequence: missense variant.
Genome position (GRCh38, 1-based): chrX:70,451,987, C>G. VCF-style: chrX-70451987-C-G. GRCh37 (hg19) VCF-style: chrX-69671837-C-G.
Other names: short protein forms P369R.
Identifiers: ClinVar variation 4070725 (VCV004070725.2).
Genomic context (GRCh38, chrX:70,451,987, plus strand): 5'-CTGTGGAGAGCAAGGTCAGCTACCCTGCTCCTCCTCAGGTTCCCCCCACCCGCTACTCTC[C>G]TATTCCCAGGCACATGCTGGCTGAGGAGGACTTCACCAGGTAAGACCCCGCCCCCAACAT-3'
Protein context (NP_066943.2, residues 359-379): PPQVPPTRYS[Pro369Arg]IPRHMLAEED